The following is an entry in ClinVar:

ClinVar aggregate classification (germline): Conflicting classifications of pathogenicity. Review status: criteria provided, conflicting classifications (1 of 4 stars). 2 submissions from 2 submitters: Uncertain significance (1); Likely benign (1). Last evaluated 2025-12-19.

Conditions:
Epileptic encephalopathy. Identifiers: MedGen C0543888, HP:0200134.

Allele frequency attached by ClinVar (database versions not stated): gnomAD 0.00003; TOPMed 0.00003; gnomAD exomes 0.00008; ExAC 0.00011.
gnomAD v4.1: 62 of 1,612,484 alleles (0.0038%); highest among the groups gnomAD compares: Non-Finnish European, 0.005%; no homozygotes.

Submissions (2):

Labcorp Genetics (formerly Invitae), Labcorp
Classification: Uncertain significance for Epileptic encephalopathy. Last evaluated: 2025-12-19. Review status: criteria provided, single submitter. Criteria: Invitae Variant Classification Sherloc (09022015). Collection method: clinical testing. Allele origin: germline.
Comment: This sequence change replaces isoleucine, which is neutral and non-polar, with valine, which is neutral and non-polar, at codon 2079 of the FASN protein (p.Ile2079Val). This variant is present in population databases (rs753756949, gnomAD 0.01%). This variant has not been reported in the literature in individuals affected with FASN-related conditions. ClinVar contains an entry for this variant (Variation ID: 934455). An algorithm developed to predict the effect of missense changes on protein structure and function outputs the following: PolyPhen-2: "Benign". The valine amino acid residue is found in multiple mammalian species, which suggests that this missense change does not adversely affect protein function. In summary, the available evidence is currently insufficient to determine the role of this variant in disease. Therefore, it has been classified as a Variant of Uncertain Significance.

Ambry Genetics
Classification: Likely benign. Last evaluated: 2023-12-26. Review status: criteria provided, single submitter. Criteria: Ambry Variant Classification Scheme 2023. Collection method: clinical testing. Allele origin: germline.

NM_004104.5(FASN):c.6235A>G (p.Ile2079Val)

Gene: FASN (fatty acid synthase; minus strand). Cytogenetic location: 17q25.3.
Variant type: single nucleotide variant.
Coding change: c.6235A>G on transcript NM_004104.5 (MANE Select); coding-DNA position 6235, A replaced by G.
Protein change: p.Ile2079Val; replaces isoleucine 2079 with valine.
Molecular consequence: missense variant.
Genome position (GRCh38, 1-based): chr17:82,081,772, T>C on the plus strand (A>G on the coding strand, the complement: FASN is on the minus strand). VCF-style: chr17-82081772-T-C. GRCh37 (hg19) VCF-style: chr17-80039648-T-C.
Other names: short protein forms I2079V.
Identifiers: ClinVar variation 934455 (VCV000934455.10), dbSNP rs753756949, ClinGen allele CA8851358.